The following is an entry in ClinVar:

ClinVar aggregate classification (germline): Uncertain significance (1 of 4 stars; one submission).

Submission:

Labcorp Genetics (formerly Invitae), Labcorp
Classification: Uncertain significance. Last evaluated: 2023-09-22. Review status: criteria provided, single submitter. Criteria: Invitae Variant Classification Sherloc (09022015). Collection method: clinical testing. Allele origin: germline.
Comment: In summary, the available evidence is currently insufficient to determine the role of this variant in disease. Therefore, it has been classified as a Variant of Uncertain Significance. An algorithm developed to predict the effect of missense changes on protein structure and function (PolyPhen-2) suggests that this variant is likely to be tolerated. This variant has not been reported in the literature in individuals affected with RBP4-related conditions. This variant is not present in population databases (gnomAD no frequency). This sequence change replaces glutamic acid, which is acidic and polar, with lysine, which is basic and polar, at codon 67 of the RBP4 protein (p.Glu67Lys).

NM_006744.4(RBP4):c.199G>A (p.Glu67Lys)

Gene: RBP4 (retinol binding protein 4; minus strand). Cytogenetic location: 10q23.33.
Variant type: single nucleotide variant.
Coding change: c.199G>A on transcript NM_006744.4 (MANE Select); coding-DNA position 199, G replaced by A.
Protein change: p.Glu67Lys; replaces glutamic acid 67 with lysine.
Molecular consequence: missense variant.
Genome position (GRCh38, 1-based): chr10:93,600,716, C>T on the plus strand (G>A on the coding strand, the complement: RBP4 is on the minus strand). VCF-style: chr10-93600716-C-T. GRCh37 (hg19) VCF-style: chr10-95360473-C-T.
Other names: c.199G>A, p.Glu67Lys (NM_001323517.1); c.193G>A, p.Glu65Lys (NM_001323518.2); short protein forms E67K, E65K.
Identifiers: ClinVar variation 2992685 (VCV002992685.3), dbSNP rs2494069031, ClinGen allele CA377618152.